The following is an entry in ClinVar:

NM_000135.4(FANCA):c.3469G>T (p.Ala1157Ser)

Gene: FANCA (FA complementation group A; minus strand). Cytogenetic location: 16q24.3.
Variant type: single nucleotide variant.
Coding change: c.3469G>T on transcript NM_000135.4 (MANE Select); coding-DNA position 3469, G replaced by T.
Protein change: p.Ala1157Ser; replaces alanine 1157 with serine.
Molecular consequence: missense variant.
Genome position (GRCh38, 1-based): chr16:89,746,628, C>A on the plus strand (G>T on the coding strand, the complement: FANCA is on the minus strand). VCF-style: chr16-89746628-C-A. GRCh37 (hg19) VCF-style: chr16-89813036-C-A.
Other names: c.3469G>T, p.Ala1157Ser (NM_001286167.3); short protein forms A1157S.
Identifiers: ClinVar variation 1489185 (VCV001489185.8), dbSNP rs1347794550, ClinGen allele CA397485908.

ClinVar aggregate classification (germline): Uncertain significance (1 of 4 stars; one submission).

Conditions:
Fanconi anemia (FA). Also called: Fanconi's anemia. Identifiers: Orphanet 84, MedGen C0015625, MeSH D005199, MONDO:0019391.

Submission:

Labcorp Genetics (formerly Invitae), Labcorp
Classification: Uncertain significance for Fanconi anemia. Last evaluated: 2022-06-20. Review status: criteria provided, single submitter. Criteria: Invitae Variant Classification Sherloc (09022015). Collection method: clinical testing. Allele origin: germline.
Comment: This variant has not been reported in the literature in individuals affected with FANCA-related conditions. This sequence change replaces alanine, which is neutral and non-polar, with serine, which is neutral and polar, at codon 1157 of the FANCA protein (p.Ala1157Ser). This variant is not present in population databases (gnomAD no frequency). Advanced modeling of protein sequence and biophysical properties (such as structural, functional, and spatial information, amino acid conservation, physicochemical variation, residue mobility, and thermodynamic stability) performed at Invitae indicates that this missense variant is not expected to disrupt FANCA protein function. In summary, the available evidence is currently insufficient to determine the role of this variant in disease. Therefore, it has been classified as a Variant of Uncertain Significance.